The following is an entry in ClinVar:

ClinVar aggregate classification (germline): Uncertain significance. Review status: criteria provided, multiple submitters, no conflicts (2 of 4 stars). 2 submissions from 2 submitters: Uncertain significance (2). Last evaluated 2022-11-10.

Conditions:
Meckel-Gruber syndrome. Also called: DYSENCEPHALIA SPLANCHNOCYSTICA; GRUBER SYNDROME; Dysencephalia splachnocystica. Identifiers: Orphanet 564, MedGen C0265215, MONDO:0018921.
Joubert syndrome. Also called: CEREBELLOPARENCHYMAL DISORDER IV; JOUBERT-BOLTSHAUSER SYNDROME; Familial aplasia of the vermis. Identifiers: Orphanet 475, MedGen C5979921, MONDO:0018772.

Submissions (2):

Women's Health and Genetics/Laboratory Corporation of America, LabCorp
Classification: Uncertain significance. Last evaluated: 2022-11-10. Review status: criteria provided, single submitter. Criteria: LabCorp Variant Classification Summary - May 2015. Collection method: clinical testing. Allele origin: germline.
Comment: Variant summary: TCTN1 c.1004_1013delins28 (p.Asp335_Glu338delinsAlaSerHisThrGlnProHisIleHisArg) results in an in-frame deletion-insertion in the Tectonic domain (IPR011677) that is predicted to delete 4 amino acids from the protein and replaced them with 10 different amino acids. The variant was absent in 249566 control chromosomes (gnomAD). To our knowledge, no occurrence of c.1004_1013delins28 in individuals affected with Joubert Syndrome And Related Disorders and no experimental evidence demonstrating its impact on protein function have been reported. No clinical diagnostic laboratories have submitted clinical-significance assessments for this variant to ClinVar after 2014. Based on the evidence outlined above, the variant was classified as uncertain significance.

Labcorp Genetics (formerly Invitae), Labcorp
Classification: Uncertain significance for Joubert syndrome; Meckel-Gruber syndrome. Last evaluated: 2022-04-07. Review status: criteria provided, single submitter. Criteria: Invitae Variant Classification Sherloc (09022015). Collection method: clinical testing. Allele origin: germline.
Comment: In summary, the available evidence is currently insufficient to determine the role of this variant in disease. Therefore, it has been classified as a Variant of Uncertain Significance. Algorithms developed to predict the effect of missense changes on protein structure and function (SIFT, PolyPhen-2, Align-GVGD) all suggest that this variant is likely to be tolerated. This variant has been observed in individual(s) with clinical features of TCTN1-related conditions (Invitae). This variant is not present in population databases (gnomAD no frequency). This variant, c.1004_1013delins28, is a complex sequence change that results in the deletion of 4 and insertion of 10 amino acid(s) in the TCTN1 protein (p.Asp335_Glu338delins10).

NM_001082538.3(TCTN1):c.1004_1013delinsCCTCACATACACAGCCTCACATACACAG (p.Asp335_Glu338delinsAlaSerHisThrGlnProHisIleHisArg)

Gene: TCTN1 (tectonic family member 1; plus strand). Cytogenetic location: 12q24.11.
Variant type: Indel.
Coding change: c.1004_1013delinsCCTCACATACACAGCCTCACATACACAG on transcript NM_001082538.3 (MANE Select); coding-DNA positions 1004 to 1013, ATGCAGGTGA replaced by CCTCACATACACAGCCTCACATACACAG.
Protein change: p.Asp335_Glu338delinsAlaSerHisThrGlnProHisIleHisArg.
Molecular consequence: inframe indel. On other transcripts: non-coding transcript variant (1).
Genome position (GRCh38, 1-based): chr12:110,641,049-110,641,058, ATGCAGGTGA replaced by CCTCACATACACAGCCTCACATACACAG. GRCh37 (hg19): chr12:111,078,854-111,078,863.
Other names: c.1004_1013delinsCCTCACATACACAGCCTCACATACACAG, p.Asp335_Glu338delinsAlaSerHisThrGlnProHisIleHisArg (NM_001082537.3, NM_001319680.2); c.836_845delinsCCTCACATACACAGCCTCACATACACAG, p.Asp279_Glu282delinsAlaSerHisThrGlnProHisIleHisArg (NM_001173975.3); c.824_833delinsCCTCACATACACAGCCTCACATACACAG, p.Asp275_Glu278delinsAlaSerHisThrGlnProHisIleHisArg (NM_001173976.2); c.470_479delinsCCTCACATACACAGCCTCACATACACAG, p.Asp157_Glu160delinsAlaSerHisThrGlnProHisIleHisArg (NM_001319681.2); c.962_971delinsCCTCACATACACAGCCTCACATACACAG, p.Asp321_Glu324delinsAlaSerHisThrGlnProHisIleHisArg (NM_024549.6).
Identifiers: ClinVar variation 1804709 (VCV001804709.5), dbSNP rs2548904971, ClinGen allele CA2580085788.